The following is an entry in ClinVar:

ClinVar aggregate classification (germline): Uncertain significance (1 of 4 stars; one submission).

Allele frequency attached by ClinVar (database versions not stated): TOPMed below 0.00001; ExAC 0.00001.

Submission:

Labcorp Genetics (formerly Invitae), Labcorp
Classification: Uncertain significance. Last evaluated: 2022-11-22. Review status: criteria provided, single submitter. Criteria: Invitae Variant Classification Sherloc (09022015). Collection method: clinical testing. Allele origin: germline.
Comment: This sequence change replaces methionine, which is neutral and non-polar, with valine, which is neutral and non-polar, at codon 195 of the DISP1 protein (p.Met195Val). This variant is present in population databases (rs780687540, gnomAD 0.0009%). This variant has not been reported in the literature in individuals affected with DISP1-related conditions. Algorithms developed to predict the effect of missense changes on protein structure and function (SIFT, PolyPhen-2, Align-GVGD) all suggest that this variant is likely to be tolerated. In summary, the available evidence is currently insufficient to determine the role of this variant in disease. Therefore, it has been classified as a Variant of Uncertain Significance.

NM_001377229.1(DISP1):c.583A>G (p.Met195Val)

Gene: DISP1 (dispatched RND transporter family member 1; plus strand). Cytogenetic location: 1q41.
Variant type: single nucleotide variant.
Coding change: c.583A>G on transcript NM_001377229.1 (MANE Select); coding-DNA position 583, A replaced by G.
Protein change: p.Met195Val; replaces methionine 195 with valine.
Molecular consequence: missense variant. On other transcripts: 5 prime UTR variant (1).
Genome position (GRCh38, 1-based): chr1:222,990,668, A>G. VCF-style: chr1-222990668-A-G. GRCh37 (hg19) VCF-style: chr1-223164010-A-G.
Other names: c.-305A>G (NM_001350630.2); c.583A>G, p.Met195Val (NM_001369594.1, NM_001377228.1, NM_032890.5); short protein forms M195V.
Identifiers: ClinVar variation 2104211 (VCV002104211.4), dbSNP rs780687540, ClinGen allele CA1408855.